The following is an entry in ClinVar:

ClinVar aggregate classification (germline): Uncertain significance. Review status: criteria provided, multiple submitters, no conflicts (2 of 4 stars). 2 submissions from 2 submitters: Uncertain significance (2). Last evaluated 2025-02-18.

Conditions:
Gorlin syndrome. Also called: Basal cell nevus syndrome; Nevoid Basal Cell Carcinoma Syndrome. Identifiers: Orphanet 377, MedGen C0004779, MONDO:0007187.
Hereditary cancer-predisposing syndrome. Also called: Hereditary Cancer Syndrome; Tumor predisposition; Neoplastic Syndromes, Hereditary; Hereditary neoplastic syndrome. Identifiers: Orphanet 140162, MedGen C0027672, MeSH D009386, MONDO:0015356.

Submissions (2):

Ambry Genetics
Classification: Uncertain significance for Hereditary cancer-predisposing syndrome. Last evaluated: 2025-02-18. Review status: criteria provided, single submitter. Criteria: Ambry Variant Classification Scheme 2023. Collection method: clinical testing. Allele origin: germline.
Comment: The p.V1155L variant (also known as c.3463G>T), located in coding exon 21 of the PTCH1 gene, results from a G to T substitution at nucleotide position 3463. The valine at codon 1155 is replaced by leucine, an amino acid with highly similar properties. In silico splice site analysis predicts that this alteration will weaken the native splice acceptor site; however, direct evidence is insufficient at this time (Ambry internal data). This amino acid position is highly conserved in available vertebrate species. Based on the available evidence, the clinical significance of this variant remains unclear.

Labcorp Genetics (formerly Invitae), Labcorp
Classification: Uncertain significance for Gorlin syndrome. Last evaluated: 2023-05-15. Review status: criteria provided, single submitter. Criteria: Invitae Variant Classification Sherloc (09022015). Collection method: clinical testing. Allele origin: germline.
Comment: In summary, the available evidence is currently insufficient to determine the role of this variant in disease. Therefore, it has been classified as a Variant of Uncertain Significance. Advanced modeling of protein sequence and biophysical properties (such as structural, functional, and spatial information, amino acid conservation, physicochemical variation, residue mobility, and thermodynamic stability) performed at Invitae indicates that this missense variant is not expected to disrupt PTCH1 protein function. ClinVar contains an entry for this variant (Variation ID: 651275). This variant has not been reported in the literature in individuals affected with PTCH1-related conditions. This variant is not present in population databases (gnomAD no frequency). This sequence change replaces valine, which is neutral and non-polar, with leucine, which is neutral and non-polar, at codon 1155 of the PTCH1 protein (p.Val1155Leu).

NM_000264.5(PTCH1):c.3463G>T (p.Val1155Leu)

Gene: PTCH1 (patched 1; minus strand). Cytogenetic location: 9q22.32.
Variant type: single nucleotide variant.
Coding change: c.3463G>T on transcript NM_000264.5 (MANE Select); coding-DNA position 3463, G replaced by T.
Protein change: p.Val1155Leu; replaces valine 1155 with leucine.
Molecular consequence: missense variant. On other transcripts: non-coding transcript variant (1).
Genome position (GRCh38, 1-based): chr9:95,449,927, C>A on the plus strand (G>T on the coding strand, the complement: PTCH1 is on the minus strand). VCF-style: chr9-95449927-C-A. GRCh37 (hg19) VCF-style: chr9-98212209-C-A.
Other names: c.3265G>T, p.Val1089Leu (NM_001083602.3); c.3460G>T, p.Val1154Leu (NM_001083603.3); c.3010G>T, p.Val1004Leu (NM_001083604.3, NM_001083605.3, NM_001083606.3 and 1 more transcripts); c.3307G>T, p.Val1103Leu (NM_001354918.2); short protein forms V1004L, V1089L, V1103L, V1154L, V1155L.
Identifiers: ClinVar variation 651275 (VCV000651275.10), dbSNP rs1588519562, ClinGen allele CA374111605.